The following is an entry in ClinVar:

ClinVar aggregate classification (germline): Likely pathogenic (1 of 4 stars; one submission).

Conditions:
X-linked Alport syndrome (ATS1). Also called: NEPHROPATHY AND DEAFNESS, X-LINKED; COL4A5-Related Nephropathy. Identifiers: Orphanet 63, Orphanet 88917, MedGen C4746986, MONDO:0010520, OMIM 301050.

Submissions (2):

Natera, Inc.
Classification: Likely pathogenic for X-linked Alport syndrome. Last evaluated: 2025-09-11. Review status: criteria provided, single submitter. Criteria: Natera Variant Classification Schema (03/2026). Collection method: clinical testing. Allele origin: germline.
Comment: The c.835G>T variant in COL4A5 is a missense variant predicted to cause substitution of glycine to cysteine at amino acid 279. This variant is rare in the general population with a frequency below the threshold expected for the associated phenotype(s). This variant is located in a functionally critical region of the protein. Computational prediction algorithms indicate this variant is likely to affect gene or protein function. Given the available evidence, this variant is classified as Likely Pathogenic.

Dr. Peter K. Rogan Lab, Western University
No classification provided (evidence only). Condition: Thyroid cancer, nonmedullary, 1. Review status: no classification provided. Collection method: in vitro. Allele origin: not applicable. Functional consequence: retained intron. Not counted in ClinVar's aggregate classification.

NM_033380.3(COL4A5):c.835G>T (p.Gly279Cys)

Gene: COL4A5 (collagen type IV alpha 5 chain; plus strand). Cytogenetic location: Xq22.3.
Variant type: single nucleotide variant.
Coding change: c.835G>T on transcript NM_033380.3 (MANE Select); coding-DNA position 835, G replaced by T.
Protein change: p.Gly279Cys; replaces glycine 279 with cysteine.
Molecular consequence: missense variant.
Genome position (GRCh38, 1-based): chrX:108,580,682, G>T. VCF-style: chrX-108580682-G-T. GRCh37 (hg19) VCF-style: chrX-107823912-G-T.
Other names: NC_000023.10:g.107823912G>T; c.835G>T (NM_000495.4); c.835G>T, p.Gly279Cys (NM_000495.5); short protein forms G279C.
Identifiers: ClinVar variation 4463793 (VCV004463793.2).
Genomic context (GRCh38, chrX:108,580,682, plus strand): 5'-AAATTGGTATTGGTACACAGTATCCCATGAACCATTGTGAAACTATTTTTATGTGTACAG[G>T]GTCCCCCAGGTGGTGAGAAAGGTGAGAAGGGTGAGCAAGGAGAGCCAGGCAAAAGAGTAA-3'
Protein context (NP_203699.1, residues 269-289): PGPPGIRGPP[Gly279Cys]PPGGEKGEKG